The following is an entry in ClinVar:

ClinVar aggregate classification (germline): Uncertain significance (1 of 4 stars; one submission).

Allele frequency attached by ClinVar (database versions not stated): gnomAD exomes below 0.00001 and 0.00001.
gnomAD v4.1: 2 of 1,610,620 alleles (0.00012%); highest among the groups gnomAD compares: Admixed American, 0.0033%; no homozygotes.

Submission:

Labcorp Genetics (formerly Invitae), Labcorp
Classification: Uncertain significance. Last evaluated: 2021-12-11. Review status: criteria provided, single submitter. Criteria: Invitae Variant Classification Sherloc (09022015). Collection method: clinical testing. Allele origin: germline.
Comment: This sequence change falls in intron 13 of the CNGB3 gene. It does not directly change the encoded amino acid sequence of the CNGB3 protein. It affects a nucleotide within the consensus splice site. This variant is present in population databases (no rsID available, gnomAD 0.006%). This variant has not been reported in the literature in individuals affected with CNGB3-related conditions. Variants that disrupt the consensus splice site are a relatively common cause of aberrant splicing (PMID: 17576681, 9536098). Algorithms developed to predict the effect of sequence changes on RNA splicing suggest that this variant is not likely to affect RNA splicing. In summary, the available evidence is currently insufficient to determine the role of this variant in disease. Therefore, it has been classified as a Variant of Uncertain Significance.

Literature cited by the submitters: PubMed 17576681; PubMed 9536098.

NM_019098.5(CNGB3):c.1578+3A>T

Gene: CNGB3 (cyclic nucleotide gated channel subunit beta 3; minus strand). Cytogenetic location: 8q21.3.
Variant type: single nucleotide variant.
Coding change: c.1578+3A>T on transcript NM_019098.5 (MANE Select); 3 bases into the intron after coding-DNA position 1578, A replaced by T.
Molecular consequence: intron variant.
Genome position (GRCh38, 1-based): chr8:86,625,980, T>A on the plus strand (A>T on the coding strand, the complement: CNGB3 is on the minus strand). VCF-style: chr8-86625980-T-A. GRCh37 (hg19) VCF-style: chr8-87638208-T-A.
Identifiers: ClinVar variation 1380933 (VCV001380933.3), dbSNP rs1397826841, ClinGen allele CA582912749.
Genomic context (GRCh38, chr8:86,625,980, plus strand): 5'-AATCAAGAGCTTAGATTCCATAGAGAAATAGATACAGAGTCTATTAATTGTAAAAGCACT[T>A]GCCTTGAACAAGTCGACTTTGCTGATGATGCTGAAGTTCACATCAATGGCGAGGGCTAAC-3'